The following is an entry in ClinVar:

NM_005654.6(NR2F1):c.265T>C (p.Cys89Arg)

Genes: NR2F1 (nuclear receptor subfamily 2 group F member 1; plus strand), NR2F1-AS1 (NR2F1 regulatory antisense RNA 1; minus strand). Cytogenetic location: 5q15.
Variant type: single nucleotide variant.
Coding change: c.265T>C on transcript NM_005654.6 (MANE Select); coding-DNA position 265, T replaced by C.
Protein change: p.Cys89Arg; replaces cysteine 89 with arginine.
Molecular consequence: missense variant.
Genome position (GRCh38, 1-based): chr5:93,585,288, T>C. VCF-style: chr5-93585288-T-C. GRCh37 (hg19) VCF-style: chr5-92920994-T-C.
Other names: c.265T>C (NM_005654.4); short protein forms C89R.
Identifiers: ClinVar variation 599002 (VCV000599002.5), dbSNP rs1561523716, ClinGen allele CA360525880.

ClinVar aggregate classification (germline): Conflicting classifications of pathogenicity. Review status: criteria provided, conflicting classifications (1 of 4 stars). 2 submissions from 2 submitters: Pathogenic (1); Uncertain significance (1). Last evaluated 2023-06-29.

Submissions (2):

GeneDx
Classification: Pathogenic. Last evaluated: 2023-06-29. Review status: criteria provided, single submitter. Criteria: GeneDx Variant Classification Process June 2021. Collection method: clinical testing. Allele origin: germline. Affected: yes.
Comment: Not observed at significant frequency in large population cohorts (gnomAD); In silico analysis supports that this missense variant has a deleterious effect on protein structure/function; This variant is associated with the following publications: (PMID: 26986877, 30755392)

Center for Personalized Medicine, Children's Hospital Los Angeles
Classification: Uncertain significance. Last evaluated: 2018-11-19. Review status: criteria provided, single submitter. Criteria: ACMG Guidelines, 2015. Collection method: clinical testing. Allele origin: germline. Affected: yes.